The following is an entry in ClinVar:

NM_001083619.3(GRIA2):c.1598C>T (p.Pro533Leu)

Gene: GRIA2 (glutamate ionotropic receptor AMPA type subunit 2; plus strand). Cytogenetic location: 4q32.1.
Variant type: single nucleotide variant.
Coding change: c.1598C>T on transcript NM_001083619.3 (MANE Select); coding-DNA position 1598, C replaced by T.
Protein change: p.Pro533Leu; replaces proline 533 with leucine.
Molecular consequence: missense variant.
Genome position (GRCh38, 1-based): chr4:157,336,501, C>T. VCF-style: chr4-157336501-C-T. GRCh37 (hg19) VCF-style: chr4-158257653-C-T.
Other names: c.1598C>T, p.Pro533Leu (NM_000826.6); c.1457C>T, p.Pro486Leu (NM_001083620.3, NM_001379000.3, NM_001379001.3); short protein forms P533L, P486L.
Identifiers: ClinVar variation 3102316 (VCV003102316.1), dbSNP rs2530754111, ClinGen allele CA358648154.

ClinVar aggregate classification (germline): Uncertain significance (1 of 4 stars; one submission).

Conditions:
Inborn genetic diseases. Identifiers: MedGen C0950123, MeSH D030342.

Submission:

Ambry Genetics
Classification: Uncertain significance for Inborn genetic diseases. Last evaluated: 2023-12-27. Review status: criteria provided, single submitter. Criteria: Ambry Variant Classification Scheme 2023. Collection method: clinical testing. Allele origin: germline.
Comment: The c.1598C>T (p.P533L) alteration is located in exon 11 (coding exon 11) of the GRIA2 gene. This alteration results from a C to T substitution at nucleotide position 1598, causing the proline (P) at amino acid position 533 to be replaced by a leucine (L). This variant was not reported in population-based cohorts in the Genome Aggregation Database (gnomAD). This amino acid position is highly conserved in available vertebrate species. This missense alteration is located in a region that has a low rate of benign missense variation (Lek, 2016; Firth, 2009). The in silico prediction for this alteration is inconclusive. Based on insufficient or conflicting evidence, the clinical significance of this alteration remains unclear.